The following is an entry in ClinVar:

NM_001199397.3(NEK1):c.2023G>A (p.Val675Ile)

Gene: NEK1 (NIMA related kinase 1; minus strand). Cytogenetic location: 4q33.
Variant type: single nucleotide variant.
Coding change: c.2023G>A on transcript NM_001199397.3 (MANE Select); coding-DNA position 2023, G replaced by A.
Protein change: p.Val675Ile; replaces valine 675 with isoleucine.
Molecular consequence: missense variant. On other transcripts: non-coding transcript variant (1).
Genome position (GRCh38, 1-based): chr4:169,479,519, C>T on the plus strand (G>A on the coding strand, the complement: NEK1 is on the minus strand). VCF-style: chr4-169479519-C-T. GRCh37 (hg19) VCF-style: chr4-170400670-C-T.
Other names: c.1891G>A, p.Val631Ile (NM_001199398.3); c.1732G>A, p.Val578Ile (NM_001199399.3); c.1807G>A, p.Val603Ile (NM_001199400.3); c.2023G>A, p.Val675Ile (NM_001374418.1); c.1939G>A, p.Val647Ile (NM_001374419.1, NM_012224.4); c.1888G>A, p.Val630Ile (NM_001374420.1); c.1717G>A, p.Val573Ile (NM_001374421.1); short protein forms V573I, V630I, V647I, V675I, V631I, V578I, V603I.
Identifiers: ClinVar variation 1411570 (VCV001411570.8), dbSNP rs748009791, ClinGen allele CA3137534.

ClinVar aggregate classification (germline): Uncertain significance (1 of 4 stars; one submission).

Conditions:
Short-rib thoracic dysplasia 6 with or without polydactyly (SRTD6). Also called: POLYDACTYLY WITH NEONATAL CHONDRODYSTROPHY, TYPE II; Majewski Syndrome; SHORT RIB-POLYDACTYLY SYNDROME, TYPE IIA; SHORT-RIB THORACIC DYSPLASIA 6 WITH POLYDACTYLY; SHORT-RIB THORACIC DYSPLASIA 6 WITHOUT POLYDACTYLY. Identifiers: MedGen C0024507, MONDO:0009894, OMIM 263520.

Allele frequency attached by ClinVar (database versions not stated): TOPMed below 0.00001; ExAC 0.00001; gnomAD 0.00001; gnomAD exomes 0.00001.
gnomAD v4.1: 15 of 1,599,578 alleles (0.00094%); highest among the groups gnomAD compares: Admixed American, 0.0018%; 1 homozygote.

Submission:

Labcorp Genetics (formerly Invitae), Labcorp
Classification: Uncertain significance for Short-rib thoracic dysplasia 6 with or without polydactyly. Last evaluated: 2021-06-03. Review status: criteria provided, single submitter. Criteria: Invitae Variant Classification Sherloc (09022015). Collection method: clinical testing. Allele origin: germline.
Comment: Advanced modeling of protein sequence and biophysical properties (such as structural, functional, and spatial information, amino acid conservation, physicochemical variation, residue mobility, and thermodynamic stability) performed at Invitae indicates that this missense variant is not expected to disrupt NEK1 protein function. In summary, the available evidence is currently insufficient to determine the role of this variant in disease. Therefore, it has been classified as a Variant of Uncertain Significance. This variant has not been reported in the literature in individuals with NEK1-related conditions. This sequence change replaces valine with isoleucine at codon 647 of the NEK1 protein (p.Val647Ile). The valine residue is highly conserved and there is a small physicochemical difference between valine and isoleucine. This variant is present in population databases (rs748009791, ExAC 0.002%).